The following is an entry in ClinVar:

NM_016333.4(SRRM2):c.2782_2785del (p.Arg928fs)

Gene: SRRM2 (serine/arginine repetitive matrix 2; plus strand). Cytogenetic location: 16p13.3.
Variant type: Deletion.
Coding change: c.2782_2785del on transcript NM_016333.4 (MANE Select); coding-DNA positions 2782 to 2785, 4 bases deleted (AGAA; older notation c.2782_2785delAGAA).
Protein change: p.Arg928fs; shifts the reading frame from arginine 928.
Molecular consequence: frameshift variant.
Genome position (GRCh38, 1-based): chr16:2,763,310-2,763,313, AGAA deleted; deleting any 4 consecutive bases within chr16:2,763,308-2,763,313 gives the same sequence; the c. name uses the placement nearest the transcript's 3' end. VCF-style (leftmost placement, unchanged base first): chr16-2763307-CAAAG-C. GRCh37 (hg19) VCF-style: chr16-2813308-CAAAG-C.
Other names: short protein forms R928fs.
Identifiers: ClinVar variation 1333025 (VCV001333025.7), dbSNP rs2150776380, ClinGen allele CA658653566.

ClinVar aggregate classification (germline): Pathogenic/Likely pathogenic. Review status: criteria provided, multiple submitters, no conflicts (2 of 4 stars). 6 submissions from 6 submitters: Pathogenic (4); Likely pathogenic (1). 1 of the submissions does not count toward it. Last evaluated 2026-08-12.

Conditions:
SRRM2-related disorder. Also called: SRRM2-related condition.
Neurodevelopmental disorder. Identifiers: MedGen C1535926, MeSH D065886, MONDO:0700092.
Intellectual developmental disorder, autosomal dominant 72 (MRD72). Identifiers: Orphanet 652487, MedGen C5830612, MONDO:0957397, OMIM 620439.

Submissions (6):

Institute of Medical Genetics and Applied Genomics, University Hospital Tübingen
Classification: Likely pathogenic for Intellectual developmental disorder, autosomal dominant 72. Last evaluated: 2026-08-12. Review status: criteria provided, single submitter. Criteria: ACMG Guidelines, 2015. Collection method: clinical testing. Allele origin: germline. Inheritance: Autosomal dominant inheritance. Affected: yes.

Dasa
Classification: Pathogenic. Last evaluated: 2025-09-20. Review status: criteria provided, single submitter. Criteria: DASA Assertion Criteria. Collection method: clinical testing. Allele origin: germline.
Comment: NM_016333.4(SRRM2):c.2782_2785del (p.Arg928Alafs*13) is a frameshift variant in SRRM2 predicted to alter the reading frame and introduce a premature termination codon and is predicted to result in an absent or altered protein product. Loss of function is an established disease mechanism for SRRM2 (PMID: 35567594). This variant has been recurrently observed in individuals with SRRM2-related disorders (PMID: 35567594; PMID: 33057194; PMID: 31785789). This variant has been reported as a de novo occurrence in an affected individual (PMID: 31785789). Also, this variant is rare in population databases. Based on the currently available evidence, this variant is classified as pathogenic.

Blueprint Genetics
Classification: Pathogenic for SRRM2-related disorders. Last evaluated: 2023-09-18. Review status: criteria provided, single submitter. Criteria: ACMG Guidelines, 2015. Collection method: clinical testing. Allele origin: germline. Affected: yes. Observed: 1 variant allele.

Laboratory of Molecular Genetics (Pr. Bezieau's lab), CHU de Nantes
Classification: Pathogenic for Neurodevelopmental disorder. Last evaluated: 2022-01-11. Review status: criteria provided, single submitter. Criteria: ACMG Guidelines, 2015. Collection method: clinical testing. Allele origin: germline. Affected: yes.

Imagene.me medical diagnostic laboratory, IMAGENE.ME SA
Classification: Pathogenic for Intellectual developmental disorder, autosomal dominant 72. Review status: criteria provided, single submitter. Criteria: IMAGENE.ME Variant Classification SOP 2022. Collection method: clinical testing. Allele origin: de novo. Affected: yes.
Comment: Classified according to the IMAGENE.ME variant classification SOP based on the ACMG guidelines as Pathogenic (P): PVS1 + PS2_Moderate + PP4

OMIM
Classification: Pathogenic for INTELLECTUAL DEVELOPMENTAL DISORDER, AUTOSOMAL DOMINANT 72. Last evaluated: 2023-06-30. Review status: no assertion criteria provided. Collection method: literature only. Allele origin: germline. Not counted in ClinVar's aggregate classification.

Literature cited by the submitters: PubMed 35567594 (cited by Dasa and OMIM); PubMed 33057194 (cited by Dasa); PubMed 31785789 (cited by Dasa).